The following is an entry in ClinVar:

NM_000215.4(JAK3):c.2311C>T (p.Arg771Ter)

Gene: JAK3 (Janus kinase 3; minus strand). Cytogenetic location: 19p13.11.
Variant type: single nucleotide variant.
Coding change: c.2311C>T on transcript NM_000215.4 (MANE Select); coding-DNA position 2311, C replaced by T.
Protein change: p.Arg771Ter; replaces arginine 771 with a stop codon.
Molecular consequence: nonsense.
Genome position (GRCh38, 1-based): chr19:17,834,610, G>A on the plus strand (C>T on the coding strand, the complement: JAK3 is on the minus strand). VCF-style: chr19-17834610-G-A. GRCh37 (hg19) VCF-style: chr19-17945419-G-A.
Other names: NM_000215.4(JAK3):c.2311C>T; p.Arg771Ter; short protein forms R771*.
Identifiers: ClinVar variation 1459771 (VCV001459771.9), dbSNP rs1198251679, ClinGen allele CA404767321.

ClinVar aggregate classification (germline): Pathogenic. Review status: reviewed by expert panel (3 of 4 stars). 2 submissions from 2 submitters: Pathogenic (1). 1 of the submissions does not count toward it. Last evaluated 2024-02-21.

Conditions:
T-B+ severe combined immunodeficiency due to JAK3 deficiency. Also called: SCID, autosomal recessive, T-negative/B-positive type; SCID, T CELL-NEGATIVE, B CELL-POSITIVE, NK CELL-NEGATIVE. Identifiers: Orphanet 35078, MedGen C1833275, MONDO:0010938, OMIM 600802.

Allele frequency attached by ClinVar (database versions not stated): TOPMed below 0.00001; gnomAD exomes 0.00001.
gnomAD v4.1: 16 of 1,613,918 alleles (0.00099%); highest among the groups gnomAD compares: Non-Finnish European, 0.0014%; no homozygotes.

Submissions (2):

ClinGen Severe Combined Immunodeficiency Variant Curation Expert Panel, ClinGen
Classification: Pathogenic for T-B+ severe combined immunodeficiency due to JAK3 deficiency. Last evaluated: 2024-02-21. Review status: reviewed by expert panel. Criteria: ClinGen SCID ACMG Specifications JAK3 V1.0.0. Collection method: curation. Allele origin: germline. Inheritance: Autosomal recessive inheritance.
Comment: The NM_000215.4(JAK3):c.2311C>T (p.Arg771Ter) variant in JAK3 is a nonsense variant predicted to cause a premature stop codon in biologically-relevant-exon 17/24 leading to nonsense mediated decay in a gene in which loss-of-function is an established disease mechanism (PVS1). The Filtering allele frequency (the upper threshold of the 95% confidence of 16/1111980) is 0.00001439 for European (non-Finnish) chromosomes by gnomeAD v 4.0.0, which is lower than the ClinGen SCID JAK3 VCEP threshold [(<0,000115)] for PM2_Supporting, and therefore meets this criterion (PM2_Supporting) At least one patient with this variant displayed: * Diagnostic criteria for SCID/Leaky SCID/Omenn syndrome met (0.5pt) and *T-B+NK- lymphocyte subset profile (0.5pt), totalizing 1 points, which is highly specific for SCID (PP4) (PMID: 32445296). In addition, this variant has been detected in at least two individuals with SCID, in the homozygous state (PMID: 11668610, 32445296) (total points= 1.0 pt) (PM3). One additional patient was found on Clinvar; however, the affected status is unknown (VCV001459771.4) In summary, this variant meets the criteria to be classified as Pathogenic for autosomal recessive SCID based on the ACMG/AMP criteria applied, as specified by the ClinGen SCID VCEP. Criteria applied: PVS1, PP4, PM2_supporting and PM3. (VCEP specifications version 1).

Labcorp Genetics (formerly Invitae), Labcorp
Classification: Pathogenic for T-B+ severe combined immunodeficiency due to JAK3 deficiency. Last evaluated: 2023-05-28. Review status: criteria provided, single submitter. Criteria: Invitae Variant Classification Sherloc (09022015). Collection method: clinical testing. Allele origin: germline. Not counted in ClinVar's aggregate classification.
Comment: For these reasons, this variant has been classified as Pathogenic. ClinVar contains an entry for this variant (Variation ID: 1459771). This premature translational stop signal has been observed in individual(s) with severe combined immunodeficiency (PMID: 11668621). This variant is present in population databases (no rsID available, gnomAD 0.002%). This sequence change creates a premature translational stop signal (p.Arg771*) in the JAK3 gene. It is expected to result in an absent or disrupted protein product. Loss-of-function variants in JAK3 are known to be pathogenic (PMID: 7481768, 11668621).

Literature cited by the submitters: PubMed 11668621 (cited by Labcorp Genetics (formerly Invitae), Labcorp); PubMed 7481768 (cited by Labcorp Genetics (formerly Invitae), Labcorp).